The following is an entry in ClinVar:

NM_001130144.3(LTBP3):c.1342A>G (p.Thr448Ala)

Gene: LTBP3 (latent transforming growth factor beta binding protein 3; minus strand). Cytogenetic location: 11q13.1.
Variant type: single nucleotide variant.
Coding change: c.1342A>G on transcript NM_001130144.3 (MANE Select); coding-DNA position 1342, A replaced by G.
Protein change: p.Thr448Ala; replaces threonine 448 with alanine.
Molecular consequence: missense variant.
Genome position (GRCh38, 1-based): chr11:65,552,251, T>C on the plus strand (A>G on the coding strand, the complement: LTBP3 is on the minus strand). VCF-style: chr11-65552251-T-C. GRCh37 (hg19) VCF-style: chr11-65319722-T-C.
Other names: c.991A>G, p.Thr331Ala (NM_001164266.1); c.1342A>G, p.Thr448Ala (NM_021070.4); short protein forms T331A, T448A.
Identifiers: ClinVar variation 1770387 (VCV001770387.2), dbSNP rs2496169813, ClinGen allele CA381273691.

ClinVar aggregate classification (germline): Uncertain significance (1 of 4 stars; one submission).

Conditions:
Inborn genetic diseases. Identifiers: MedGen C0950123, MeSH D030342.

Submission:

Ambry Genetics
Classification: Uncertain significance for Inborn genetic diseases. Last evaluated: 2022-10-17. Review status: criteria provided, single submitter. Criteria: Ambry Variant Classification Scheme 2023. Collection method: clinical testing. Allele origin: germline.
Comment: The p.T448A variant (also known as c.1342A>G), located in coding exon 7 of the LTBP3 gene, results from an A to G substitution at nucleotide position 1342. The threonine at codon 448 is replaced by alanine, an amino acid with similar properties. This amino acid position is conserved. In addition, the in silico prediction for this alteration is inconclusive. Since supporting evidence is limited at this time, the clinical significance of this alteration remains unclear.